The following is an entry in ClinVar:

ClinVar aggregate classification (germline): Uncertain significance. Review status: criteria provided, multiple submitters, no conflicts (2 of 4 stars). 2 submissions from 2 submitters: Uncertain significance (2). Last evaluated 2020-10-19.

Conditions:
Cardiomyopathy (CMYO). Also called: Cardiomyopathies. Identifiers: Orphanet 167848, MedGen C0878544, MONDO:0004994, HP:0001638. Inheritance: Various modes of inheritance.
Hypertrophic cardiomyopathy 1 (CMH1). Also called: MYH7-Related Familial Hypertrophic Cardiomyopathy; Familial hypertrophic cardiomyopathy 1. Identifiers: MedGen C3495498, MONDO:0008647, OMIM 192600.

Allele frequency attached by ClinVar (database versions not stated): gnomAD exomes below 0.00001.
gnomAD v4.1: 1 of 1,614,222 alleles (0.000062%); highest among the groups gnomAD compares: South Asian, 0.0011%; no homozygotes.

Submissions (2):

Victorian Clinical Genetics Services, Murdoch Childrens Research Institute
Classification: Uncertain significance for Hypertrophic cardiomyopathy 1. Last evaluated: 2020-10-19. Review status: criteria provided, single submitter. Criteria: ACMG Guidelines, 2015. Collection method: clinical testing. Allele origin: germline. Inheritance: Autosomal dominant inheritance.
Comment: Based on the classification scheme VCGS_Germline_v1.3.4, this variant is classified as 3B-VUS. Following criteria are met: 0105 - The mechanism of disease for this gene is not clearly established, however, missense variants have been proposed to act in a dominant negative manner (PMID: 24714796). (N) 0108 - This gene is associated with both recessive and dominant disease. Pathogenic variants in this gene are usually heterozygous however, a recessive inheritance pattern has been observed in severe cases (OMIM). (I) 0112 - The condition associated with this gene has incomplete penetrance (PMID: 29300372). (I) 0200 - Variant is predicted to result in a missense amino acid change from serine to isoleucine. (I) 0251 - This variant is heterozygous. (I) 0301 - Variant is absent from gnomAD (v2 and v3). (SP) 0501 - Missense variant consistently predicted to be damaging by multiple in silico tools or highly conserved with a major amino acid change. (SP) 0600 - Variant is located in the annotated coiled-coil domain (UniProt). (I) 0705 - No comparable missense variants have previous evidence for pathogenicity. (I) 0809 - Previous evidence of pathogenicity for this variant is inconclusive. This variant has one VUS entry related to cardiomyopathy in ClinVar. (I) 0905 - No published segregation evidence has been identified for this variant. (I) 1007 - No published functional evidence has been identified for this variant. (I) 1208 - Inheritance information for this variant is not currently available in this individual. (I) Legend: (SP) - Supporting pathogenic, (I) - Information, (SB) - Supporting benign

CHEO Genetics Diagnostic Laboratory, Children's Hospital of Eastern Ontario
Classification: Uncertain significance for Cardiomyopathy. Last evaluated: 2018-04-26. Review status: criteria provided, single submitter. Criteria: ACMG Guidelines, 2015. Collection method: clinical testing. Allele origin: germline.

Literature cited by the submitters: PubMed 24714796 (cited by Victorian Clinical Genetics Services, Murdoch Childrens Research Institute); PubMed 29300372 (cited by Victorian Clinical Genetics Services, Murdoch Childrens Research Institute).

NM_000257.4(MYH7):c.5771G>T (p.Ser1924Ile)

Gene: MYH7 (myosin heavy chain 7; minus strand). Cytogenetic location: 14q11.2.
Variant type: single nucleotide variant.
Coding change: c.5771G>T on transcript NM_000257.4 (MANE Select); coding-DNA position 5771, G replaced by T.
Protein change: p.Ser1924Ile; replaces serine 1924 with isoleucine.
Molecular consequence: missense variant.
Genome position (GRCh38, 1-based): chr14:23,413,778, C>A on the plus strand (G>T on the coding strand, the complement: MYH7 is on the minus strand). VCF-style: chr14-23413778-C-A. GRCh37 (hg19) VCF-style: chr14-23882987-C-A.
Other names: short protein forms S1924I.
Identifiers: ClinVar variation 188648 (VCV000188648.3), dbSNP rs786204385, ClinGen allele CA016469.